The following is an entry in ClinVar:

NM_020166.5(MCCC1):c.1306A>G (p.Lys436Glu)

Gene: MCCC1 (methylcrotonyl-CoA carboxylase subunit 1; minus strand). Cytogenetic location: 3q27.1.
Variant type: single nucleotide variant.
Coding change: c.1306A>G on transcript NM_020166.5 (MANE Select); coding-DNA position 1306, A replaced by G.
Protein change: p.Lys436Glu; replaces lysine 436 with glutamic acid.
Molecular consequence: missense variant. On other transcripts: non-coding transcript variant (2).
Genome position (GRCh38, 1-based): chr3:183,039,097, T>C on the plus strand (A>G on the coding strand, the complement: MCCC1 is on the minus strand). VCF-style: chr3-183039097-T-C. GRCh37 (hg19) VCF-style: chr3-182756885-T-C.
Other names: c.955A>G, p.Lys319Glu (NM_001293273.2); c.979A>G, p.Lys327Glu (NM_001363880.1); short protein forms K319E, K327E, K436E.
Identifiers: ClinVar variation 2637284 (VCV002637284.1), dbSNP rs2530144870, ClinGen allele CA355321997.

ClinVar aggregate classification (germline): Uncertain significance (1 of 4 stars; one submission).

Conditions:
MCCC1-related disorder. Also called: MCCC1-related condition.

Submission:

PreventionGenetics, part of Exact Sciences
Classification: Uncertain significance for MCCC1-related condition. Last evaluated: 2022-10-12. Review status: criteria provided, single submitter. Criteria: ACMG Guidelines, 2015. Collection method: clinical testing. Allele origin: germline.
Comment: The MCCC1 c.1306A>G variant is predicted to result in the amino acid substitution p.Lys436Glu. To our knowledge, this variant has not been reported in the literature or in a large population database, indicating this variant is rare. At this time, the clinical significance of this variant is uncertain due to the absence of conclusive functional and genetic evidence.